The following is an entry in ClinVar:

ClinVar aggregate classification (germline): Conflicting classifications of pathogenicity. Review status: criteria provided, conflicting classifications (1 of 4 stars). 3 submissions from 3 submitters: Uncertain significance (2); Likely benign (1). Last evaluated 2023-08-28.

Conditions:
Breast-ovarian cancer, familial, susceptibility to, 2 (BROVCA2). Also called: BRCA2 Hereditary Breast and Ovarian Cancer. Identifiers: Orphanet 145, MedGen C2675520, MONDO:0012933, OMIM 612555. Disease mechanism: loss of function.
Hereditary cancer-predisposing syndrome. Also called: Neoplastic Syndromes, Hereditary; Tumor predisposition; Hereditary Cancer Syndrome; Hereditary neoplastic syndrome. Identifiers: Orphanet 140162, MedGen C0027672, MeSH D009386, MONDO:0015356.

Allele frequency attached by ClinVar (database versions not stated): gnomAD exomes below 0.00001; ExAC 0.00001.
gnomAD v4.1: 2 of 1,613,870 alleles (0.00012%); highest among the groups gnomAD compares: Non-Finnish European, 0.00017%; no homozygotes.

Submissions (3):

All of Us Research Program, National Institutes of Health
Classification: Uncertain significance for Breast-ovarian cancer, familial, susceptibility to, 2. Last evaluated: 2023-08-28. Review status: criteria provided, single submitter. Criteria: ACMG Guidelines, 2015. Collection method: clinical testing. Allele origin: germline. Inheritance: Autosomal dominant inheritance. Observed: 2 variant alleles, 2 heterozygotes.
Comment: This missense variant replaces glutamic acid with alanine at codon 1608 of the BRCA2 protein. Computational prediction suggests that this variant may not impact protein structure and function (internally defined REVEL score threshold <= 0.5, PMID: 27666373). To our knowledge, functional studies have not been reported for this variant. This variant has not been reported in individuals affected with BRCA2-related disorders in the literature. This variant has been identified in 2/250098 chromosomes in the general population by the Genome Aggregation Database (gnomAD). The available evidence is insufficient to determine the role of this variant in disease conclusively. Therefore, this variant is classified as a Variant of Uncertain Significance.

This study involves interpretation of variants in research participants for the purpose of population health screening. Participant phenotype was not available at the time of variant classification. Additional details can be found in publication PMID: 35346344, PMCID: PMC8962531

University of Washington Department of Laboratory Medicine, University of Washington
Classification: Likely benign for Hereditary cancer-predisposing syndrome. Last evaluated: 2023-03-23. Review status: criteria provided, single submitter. Criteria: Dines et al. (Genet Med. 2020). Collection method: curation. Allele origin: germline.
Comment: Missense variant in a coldspot region where missense variants are very unlikely to be pathogenic (PMID:31911673).

BRCA2 exon 11 coldspot. Reclassification based on statistical prior probability.

Ambry Genetics
Classification: Uncertain significance for Hereditary cancer-predisposing syndrome. Last evaluated: 2021-11-21. Review status: criteria provided, single submitter. Criteria: Ambry Variant Classification Scheme 2023. Collection method: clinical testing. Allele origin: germline.
Comment: The p.E1608A variant (also known as c.4823A>C), located in coding exon 10 of the BRCA2 gene, results from an A to C substitution at nucleotide position 4823. The glutamic acid at codon 1608 is replaced by alanine, an amino acid with dissimilar properties. This amino acid position is conserved. In addition, this alteration is predicted to be tolerated by in silico analysis. Since supporting evidence is limited at this time, the clinical significance of this alteration remains unclear.

NM_000059.4(BRCA2):c.4823A>C (p.Glu1608Ala)

Gene: BRCA2 (BRCA2 DNA repair associated; plus strand). Cytogenetic location: 13q13.1.
Variant type: single nucleotide variant.
Coding change: c.4823A>C on transcript NM_000059.4 (MANE Select); coding-DNA position 4823, A replaced by C.
Protein change: p.Glu1608Ala; replaces glutamic acid 1608 with alanine.
Molecular consequence: missense variant.
Genome position (GRCh38, 1-based): chr13:32,339,178, A>C. VCF-style: chr13-32339178-A-C. GRCh37 (hg19) VCF-style: chr13-32913315-A-C.
Other names: c.4823A>C, p.Glu1608Ala (NM_001406719.1, NM_001406720.1); short protein forms E1608A.
Identifiers: ClinVar variation 1743374 (VCV001743374.5), dbSNP rs766855850, ClinGen allele CA6940819.